The following is an entry in ClinVar:

NM_000501.4(ELN):c.1488_1523del (p.Leu497_Gly508del)

Genes: ELN (elastin; plus strand), ELN-AS1 (ELN antisense RNA 1; minus strand). Cytogenetic location: 7q11.23.
Variant type: Deletion.
Coding change: c.1488_1523del on transcript NM_000501.4 (MANE Select); coding-DNA positions 1488 to 1523, 36 bases deleted.
Protein change: p.Leu497_Gly508del.
Molecular consequence: inframe deletion.
Genome position (GRCh38, 1-based): chr7:74,059,959-74,059,994, 36 bases deleted; deleting any 36 consecutive bases within chr7:74,059,942-74,059,994 gives the same sequence; the c. name uses the placement nearest the transcript's 3' end. GRCh37 (hg19): chr7:73,474,289-73,474,324.
Other names: c.1401_1436del, p.Leu468_Gly479del (NM_001081752.3); c.1446_1481del, p.Leu483_Gly494del (NM_001081753.3); c.1503_1538del, p.Leu502_Gly513del (NM_001081754.3); c.1431_1466del, p.Leu478_Gly489del (NM_001081755.3); c.1488_1523del, p.Leu497_Gly508del (NM_001278912.2); c.1245_1280del, p.Leu416_Gly427del (NM_001278913.2); c.1416_1451del, p.Leu473_Gly484del (NM_001278914.2); c.1506_1541del, p.Leu503_Gly514del (NM_001278915.2); and 4 more.
Identifiers: ClinVar variation 1313669 (VCV001313669.31), dbSNP rs782284755, ClinGen allele CA4293071.

ClinVar aggregate classification (germline): Uncertain significance. Review status: criteria provided, multiple submitters, no conflicts (2 of 4 stars). 3 submissions from 3 submitters: Uncertain significance (3). Last evaluated 2026-01-21.

Conditions:
Supravalvar aortic stenosis (SVAS). Also called: Supravalvar aortic stenosis, Eisenberg type. Identifiers: Orphanet 3193, MedGen C0003499, MONDO:0008504, OMIM 185500, HP:0004381.

Submissions (3):

Labcorp Genetics (formerly Invitae), Labcorp
Classification: Uncertain significance for Supravalvar aortic stenosis. Last evaluated: 2026-01-21. Review status: criteria provided, single submitter. Criteria: Invitae Variant Classification Sherloc (09022015). Collection method: clinical testing. Allele origin: germline.
Comment: This variant, c.1575_1610del, results in the deletion of 12 amino acid(s) of the ELN protein (p.Leu526_Gly537del), but otherwise preserves the integrity of the reading frame. This variant is present in population databases (rs782284755, gnomAD 0.02%). This variant has not been reported in the literature in individuals affected with ELN-related conditions. ClinVar contains an entry for this variant (Variation ID: 1313669). Experimental studies and prediction algorithms are not available or were not evaluated, and the functional significance of this variant is currently unknown. In summary, the available evidence is currently insufficient to determine the role of this variant in disease. Therefore, it has been classified as a Variant of Uncertain Significance.

CeGaT Center for Human Genetics Tuebingen
Classification: Uncertain significance. Last evaluated: 2023-07-01. Review status: criteria provided, single submitter. Criteria: CeGaT Center For Human Genetics Tuebingen Variant Classification Criteria Version 2. Collection method: clinical testing. Allele origin: germline. Affected: yes. Observed: 1 variant allele.
Comment: ELN: PM4

GeneDx
Classification: Uncertain significance. Last evaluated: 2020-11-17. Review status: criteria provided, single submitter. Criteria: GeneDx Variant Classification Process June 2021. Collection method: clinical testing. Allele origin: germline. Affected: yes.
Comment: Has not been previously published as pathogenic or benign to our knowledge; In-frame deletion of 12 amino acids in a repetitive region; In silico analysis supports a deleterious effect on protein structure/function